The following is an entry in ClinVar:

NM_000089.4(COL1A2):c.1113T>C (p.Pro371=)

Gene: COL1A2 (collagen type I alpha 2 chain; plus strand). Cytogenetic location: 7q21.3.
Variant type: single nucleotide variant.
Coding change: c.1113T>C on transcript NM_000089.4 (MANE Select); coding-DNA position 1113, T replaced by C.
Protein change: p.Pro371=; no amino-acid change (proline 371 retained).
Molecular consequence: synonymous variant.
Genome position (GRCh38, 1-based): chr7:94,410,443, T>C. VCF-style: chr7-94410443-T-C. GRCh37 (hg19) VCF-style: chr7-94039755-T-C.
Identifiers: ClinVar variation 1120627 (VCV001120627.20), dbSNP rs547506739, ClinGen allele CA162921100.

ClinVar aggregate classification (germline): Conflicting classifications of pathogenicity. Review status: criteria provided, conflicting classifications (1 of 4 stars). 6 submissions from 6 submitters: Uncertain significance (1); Likely benign (5). Last evaluated 2026-01-11.

Conditions:
Ehlers-Danlos syndrome (EDS). Identifiers: Orphanet 98249, MedGen C0013720, MONDO:0020066.
Ehlers-Danlos syndrome, classic type, 1 (EDSCL1). Also called: EHLERS-DANLOS SYNDROME, GRAVIS TYPE; EHLERS-DANLOS SYNDROME, SEVERE CLASSIC TYPE; Ehlers-Danlos Syndrome, Classic Type, COL5A1-Related; Ehlers-Danlos syndrome, type 1; EDS I. Identifiers: MedGen C0268335, MONDO:0019567, OMIM 130000.
Osteogenesis imperfecta type I (OI1). Also called: Lobstein disease; Lobstein's Disease; Classic Non-deforming Osteogenesis Imperfecta with Blue Sclerae; OI, TYPE I; OSTEOGENESIS IMPERFECTA TARDA; OSTEOGENESIS IMPERFECTA WITH BLUE SCLERAE. Identifiers: Orphanet 216796, Orphanet 666, MedGen C0023931, MONDO:0008146, OMIM 166200. Disease mechanism: loss of function.
Cardiovascular phenotype. Identifiers: MedGen CN230736.
COL1A2-related disorder. Also called: COL1A2-Related Disorders; COL1A2-related condition.

Allele frequency attached by ClinVar (database versions not stated): gnomAD 0.00001; gnomAD exomes 0.00001 and 0.00006; TOPMed 0.00002.
gnomAD v4.1: 79 of 1,551,364 alleles (0.0051%); highest among the groups gnomAD compares: Non-Finnish European, 0.0068%; no homozygotes.

Submissions (6):

Labcorp Genetics (formerly Invitae), Labcorp
Classification: Likely benign for Osteogenesis imperfecta type I; Ehlers-Danlos syndrome, classic type, 1. Last evaluated: 2026-01-11. Review status: criteria provided, single submitter. Criteria: Invitae Variant Classification Sherloc (09022015). Collection method: clinical testing. Allele origin: germline.

PreventionGenetics, part of Exact Sciences
Classification: Likely benign for COL1A2-related condition. Last evaluated: 2025-09-13. Review status: criteria provided, single submitter. Criteria: ACMG Guidelines, 2015. Collection method: clinical testing. Allele origin: germline.
Comment: This variant is classified as likely benign based on ACMG/AMP sequence variant interpretation guidelines (Richards et al. 2015 PMID: 25741868, with internal and published modifications).

ARUP Laboratories, Molecular Genetics and Genomics, ARUP Laboratories
Classification: Likely benign. Last evaluated: 2025-01-10. Review status: criteria provided, single submitter. Criteria: ARUP Molecular Germline Variant Investigation Process 2024. Collection method: clinical testing. Allele origin: germline.

Genome Diagnostics Laboratory, The Hospital for Sick Children
Classification: Uncertain significance for Ehlers-Danlos syndrome. Last evaluated: 2021-04-16. Review status: criteria provided, single submitter. Criteria: ACMG Guidelines, 2015. Collection method: clinical testing. Allele origin: germline.

GeneDx
Classification: Likely benign. Last evaluated: 2020-04-15. Review status: criteria provided, single submitter. Criteria: GeneDx Variant Classification Process June 2021. Collection method: clinical testing. Allele origin: germline. Affected: yes.

Ambry Genetics
Classification: Likely benign for Cardiovascular phenotype. Last evaluated: 2019-08-10. Review status: criteria provided, single submitter. Criteria: Ambry Variant Classification Scheme 2023. Collection method: clinical testing. Allele origin: germline.